The following is an entry in ClinVar:

NM_003036.4(SKI):c.1211+19C>T

Gene: SKI (SKI proto-oncogene; plus strand). Cytogenetic location: 1p36.32.
Variant type: single nucleotide variant.
Coding change: c.1211+19C>T on transcript NM_003036.4 (MANE Select); 19 bases into the intron after coding-DNA position 1211, C replaced by T.
Molecular consequence: intron variant.
Genome position (GRCh38, 1-based): chr1:2,303,419, C>T. VCF-style: chr1-2303419-C-T. GRCh37 (hg19) VCF-style: chr1-2234858-C-T.
Identifiers: ClinVar variation 258900 (VCV000258900.19), dbSNP rs182600375, ClinGen allele CA536618.

ClinVar aggregate classification (germline): Benign/Likely benign. Review status: criteria provided, multiple submitters, no conflicts (2 of 4 stars). 6 submissions from 6 submitters: Benign (3); Likely benign (3). Last evaluated 2026-05-29.

Conditions:
Shprintzen-Goldberg syndrome (SGS). Also called: SHPRINTZEN-GOLDBERG CRANIOSYNOSTOSIS SYNDROME; Marfanoid disorder with craniosynostosis type 1; Marfanoid craniosynostosis syndrome; Shprintzen-Goldberg marfanoid syndrome; CRANIOSYNOSTOSIS WITH ARACHNODACTYLY AND ABDOMINAL HERNIAS. Identifiers: Orphanet 2462, MedGen C1321551, MONDO:0008426, OMIM 182212.

Allele frequency attached by ClinVar (database versions not stated): ESP Exome Variant Server 0.00131; gnomAD 0.00169 and 0.00178; TOPMed 0.00171; gnomAD exomes 0.00013 and 0.00041; ExAC 0.00047; 1000 Genomes Project 30x 0.00187; 1000 Genomes Project 0.00220.
gnomAD v4.1: 454 of 1,596,434 alleles (0.028%); highest among the groups gnomAD compares: African/African-American, 0.54%; 2 homozygotes.

Submissions (6):

Women's Health and Genetics/Laboratory Corporation of America, LabCorp
Classification: Benign. Last evaluated: 2026-05-29. Review status: criteria provided, single submitter. Criteria: LabCorp Variant Classification Summary - May 2015. Collection method: clinical testing. Allele origin: germline.

Labcorp Genetics (formerly Invitae), Labcorp
Classification: Benign for Shprintzen-Goldberg syndrome. Last evaluated: 2026-01-27. Review status: criteria provided, single submitter. Criteria: Invitae Variant Classification Sherloc (09022015). Collection method: clinical testing. Allele origin: germline.

Blueprint Genetics
Classification: Likely benign. Last evaluated: 2024-09-13. Review status: criteria provided, single submitter. Criteria: ACMG Guidelines, 2015. Collection method: clinical testing. Allele origin: germline.

ARUP Laboratories, Molecular Genetics and Genomics, ARUP Laboratories
Classification: Likely benign for Shprintzen-Goldberg syndrome. Last evaluated: 2019-09-30. Review status: criteria provided, single submitter. Criteria: ARUP Molecular Germline Variant Investigation Process. Collection method: clinical testing. Allele origin: germline.

GeneDx
Classification: Likely benign. Last evaluated: 2017-07-08. Review status: criteria provided, single submitter. Criteria: GeneDx Variant Classification (06012015). Collection method: clinical testing. Allele origin: germline. Affected: yes.
Comment: This variant is considered likely benign or benign based on one or more of the following criteria: it is a conservative change, it occurs at a poorly conserved position in the protein, it is predicted to be benign by multiple in silico algorithms, and/or has population frequency not consistent with disease.

PreventionGenetics, part of Exact Sciences
Classification: Benign. Review status: criteria provided, single submitter. Criteria: ACMG Guidelines, 2015. Collection method: clinical testing. Allele origin: germline.